The following is an entry in ClinVar:

ClinVar aggregate classification (germline): Likely benign. Review status: criteria provided, multiple submitters, no conflicts (2 of 4 stars). 2 submissions from 2 submitters: Likely benign (2). Last evaluated 2025-12-16.

Conditions:
CACNA1B-related disorder. Also called: CACNA1B-related condition.

Allele frequency attached by ClinVar (database versions not stated): gnomAD 0.00001; ExAC 0.00004; 1000 Genomes Project 30x 0.00016; 1000 Genomes Project 0.00020.
gnomAD v4.1: 37 of 1,596,440 alleles (0.0023%); highest among the groups gnomAD compares: Non-Finnish European, 0.0029%; no homozygotes.

Submissions (2):

Labcorp Genetics (formerly Invitae), Labcorp
Classification: Likely benign. Last evaluated: 2025-12-16. Review status: criteria provided, single submitter. Criteria: Invitae Variant Classification Sherloc (09022015). Collection method: clinical testing. Allele origin: germline.

PreventionGenetics, part of Exact Sciences
Classification: Likely benign for CACNA1B-related condition. Last evaluated: 2024-11-25. Review status: criteria provided, single submitter. Criteria: ACMG Guidelines, 2015. Collection method: clinical testing. Allele origin: germline.
Comment: This variant is classified as likely benign based on ACMG/AMP sequence variant interpretation guidelines (Richards et al. 2015 PMID: 25741868, with internal and published modifications).

NM_000718.4(CACNA1B):c.1257G>A (p.Ala419=)

Gene: CACNA1B (calcium voltage-gated channel subunit alpha1 B; plus strand). Cytogenetic location: 9q34.3.
Variant type: single nucleotide variant.
Coding change: c.1257G>A on transcript NM_000718.4 (MANE Select); coding-DNA position 1257, G replaced by A.
Protein change: p.Ala419=; no amino-acid change (alanine 419 retained).
Molecular consequence: synonymous variant.
Genome position (GRCh38, 1-based): chr9:137,957,611, G>A. VCF-style: chr9-137957611-G-A. GRCh37 (hg19) VCF-style: chr9-140852063-G-A.
Other names: c.1257G>A, p.Ala419= (NM_001243812.2); c.1257G>A (NM_000718.3).
Identifiers: ClinVar variation 2039800 (VCV002039800.5), dbSNP rs200466269, ClinGen allele CA5376101.
Genomic context (GRCh38, chr9:137,957,611, plus strand): 5'-TGAGGGCTGCAGCTCAGGCAGTCTCTCCCATCCTTTGTTTAAAGCAGTGCTGAAGAGAGC[G>A]GCCACCAAGAAGAGCAGAAATGACCTGATCCACGCAGAGGAGGGAGAGGACCGGTTTGCA-3'
Protein context (NP_000709.1, residues 409-429): EKSPLDVLKR[Ala419=]ATKKSRNDLI